The following is an entry in ClinVar:

ClinVar aggregate classification (germline): Likely pathogenic (1 of 4 stars; one submission).

Conditions:
Aneurysm-osteoarthritis syndrome. Also called: SMAD3-Related Loeys-Dietz Syndrome; ANEURYSMS-OSTEOARTHRITIS SYNDROME; LOEYS-DIETZ SYNDROME WITH OSTEOARTHRITIS; Loeys-Dietz syndrome, type 1C. Identifiers: Orphanet 284984, MedGen C3151087, MONDO:0013426, OMIM 613795.

Submission:

Institute of Medical Genetics and Applied Genomics, University Hospital Tübingen
Classification: Likely pathogenic for Aneurysm-osteoarthritis syndrome. Last evaluated: 2026-05-12. Review status: criteria provided, single submitter. Criteria: ACMG Guidelines, 2015. Collection method: clinical testing. Allele origin: germline. Inheritance: Autosomal dominant inheritance. Affected: yes.
Comment: Deduced HGVS nomenclature: NM_005902.4:c.[804C>T;807_822dup], p.[Arg268=;Ser275Leufs*41]

NM_005902.4(SMAD3):c.804_806delinsTTTCTGCCTAGGGCTGCTC (p.Ser275fs)

Gene: SMAD3 (SMAD family member 3; plus strand). Cytogenetic location: 15q22.33.
Variant type: Indel.
Coding change: c.804_806delinsTTTCTGCCTAGGGCTGCTC on transcript NM_005902.4 (MANE Select); coding-DNA positions 804 to 806, CTT replaced by TTTCTGCCTAGGGCTGCTC.
Protein change: p.Ser275fs; shifts the reading frame from serine 275.
Molecular consequence: frameshift variant.
Genome position (GRCh38, 1-based): chr15:67,181,386-67,181,388, CTT replaced by TTTCTGCCTAGGGCTGCTC. VCF-style: chr15-67181386-CTT-TTTCTGCCTAGGGCTGCTC. GRCh37 (hg19) VCF-style: chr15-67473724-CTT-TTTCTGCCTAGGGCTGCTC.
Other names: c.219_221delinsTTTCTGCCTAGGGCTGCTC, p.Ser80fs (NM_001407017.1, NM_001145104.2); c.489_491delinsTTTCTGCCTAGGGCTGCTC, p.Ser170fs (NM_001145102.2, NM_001407016.1); c.672_674delinsTTTCTGCCTAGGGCTGCTC, p.Ser231fs (NM_001145103.2, NM_001407012.1); c.804_806delinsTTTCTGCCTAGGGCTGCTC, p.Ser275fs (NM_001407011.1, NM_001407013.1); c.657_659delinsTTTCTGCCTAGGGCTGCTC, p.Ser226fs (NM_001407014.1); c.357_359delinsTTTCTGCCTAGGGCTGCTC, p.Ser126fs (NM_001407015.1); short protein forms S126fs, S170fs, S226fs, S231fs, S275fs, S80fs.
Identifiers: ClinVar variation 4850519 (VCV004850519.1).